The following is an entry in ClinVar:

NM_002485.5(NBN):c.633T>G (p.Asp211Glu)

Gene: NBN (nibrin; minus strand). Cytogenetic location: 8q21.3.
Variant type: single nucleotide variant.
Coding change: c.633T>G on transcript NM_002485.5 (MANE Select); coding-DNA position 633, T replaced by G.
Protein change: p.Asp211Glu; replaces aspartic acid 211 with glutamic acid.
Molecular consequence: missense variant.
Genome position (GRCh38, 1-based): chr8:89,971,242, A>C on the plus strand (T>G on the coding strand, the complement: NBN is on the minus strand). VCF-style: chr8-89971242-A-C. GRCh37 (hg19) VCF-style: chr8-90983470-A-C.
Other names: c.387T>G, p.Asp129Glu (NM_001024688.3); short protein forms D211E, D129E.
Identifiers: ClinVar variation 1752959 (VCV001752959.3), dbSNP rs377700348, ClinGen allele CA371659184.
Genomic context (GRCh38, chr8:89,971,242, plus strand): 5'-ATTCAAAAATATAAATGTTTTCCCTTTGAAGATTTGTTTTCTTTCCTGCCGTCCTGACAG[A>C]TCAACATTTTTACTTCCAATAGATGGTTCATCAAGAGGTGGGTAAAAACTGTAAAAATAA-3'
Protein context (NP_002476.2, residues 201-221): DEPSIGSKNV[Asp211Glu]LSGRQERKQI

ClinVar aggregate classification (germline): Uncertain significance (1 of 4 stars; one submission).

Conditions:
Hereditary cancer-predisposing syndrome. Also called: Neoplastic Syndromes, Hereditary; Tumor predisposition; Hereditary Cancer Syndrome; Hereditary neoplastic syndrome. Identifiers: Orphanet 140162, MedGen C0027672, MeSH D009386, MONDO:0015356.

Submission:

Ambry Genetics
Classification: Uncertain significance for Hereditary cancer-predisposing syndrome. Last evaluated: 2025-09-19. Review status: criteria provided, single submitter. Criteria: Ambry Variant Classification Scheme 2023. Collection method: clinical testing. Allele origin: germline.
Comment: The p.D211E variant (also known as c.633T>G), located in coding exon 6 of the NBN gene, results from a T to G substitution at nucleotide position 633. The aspartic acid at codon 211 is replaced by glutamic acid, an amino acid with highly similar properties. This amino acid position is highly conserved in available vertebrate species. In addition, the in silico prediction for this alteration is inconclusive. Since supporting evidence is limited at this time, the clinical significance of this alteration remains unclear.